The following is an entry in ClinVar:

NM_014003.4(DHX38):c.1334G>A (p.Arg445Gln)

Gene: DHX38 (DEAH-box helicase 38; plus strand). Cytogenetic location: 16q22.2.
Variant type: single nucleotide variant.
Coding change: c.1334G>A on transcript NM_014003.4 (MANE Select); coding-DNA position 1334, G replaced by A.
Protein change: p.Arg445Gln; replaces arginine 445 with glutamine.
Molecular consequence: missense variant.
Genome position (GRCh38, 1-based): chr16:72,101,141, G>A. VCF-style: chr16-72101141-G-A. GRCh37 (hg19) VCF-style: chr16-72135040-G-A.
Other names: short protein forms R445Q.
Identifiers: ClinVar variation 1436396 (VCV001436396.3), dbSNP rs569480638, ClinGen allele CA8160282.

ClinVar aggregate classification (germline): Uncertain significance (1 of 4 stars; one submission).

Allele frequency attached by ClinVar (database versions not stated): gnomAD 0.00001; gnomAD exomes 0.00001 and 0.00002; ExAC 0.00002; TOPMed 0.00002; 1000 Genomes Project 30x 0.00016; 1000 Genomes Project 0.00020.
gnomAD v4.1: 12 of 1,614,266 alleles (0.00074%); highest among the groups gnomAD compares: East Asian, 0.0045%; no homozygotes.

Submission:

Labcorp Genetics (formerly Invitae), Labcorp
Classification: Uncertain significance. Last evaluated: 2022-06-08. Review status: criteria provided, single submitter. Criteria: Invitae Variant Classification Sherloc (09022015). Collection method: clinical testing. Allele origin: germline.
Comment: This sequence change replaces arginine, which is basic and polar, with glutamine, which is neutral and polar, at codon 445 of the DHX38 protein (p.Arg445Gln). This variant is present in population databases (rs569480638, gnomAD 0.007%). This variant has not been reported in the literature in individuals affected with DHX38-related conditions. Algorithms developed to predict the effect of missense changes on protein structure and function are either unavailable or do not agree on the potential impact of this missense change (SIFT: "Deleterious"; PolyPhen-2: "Benign"; Align-GVGD: "Class C35"). Algorithms developed to predict the effect of sequence changes on RNA splicing suggest that this variant may create or strengthen a splice site. In summary, the available evidence is currently insufficient to determine the role of this variant in disease. Therefore, it has been classified as a Variant of Uncertain Significance.